The following is an entry in ClinVar:

ClinVar aggregate classification (germline): Uncertain significance (1 of 4 stars; one submission).

gnomAD v4.1: 1 of 1,613,992 alleles (0.000062%); highest among the groups gnomAD compares: Non-Finnish European, 0.000085%; no homozygotes.

Submission:

Women's Health and Genetics/Laboratory Corporation of America, LabCorp
Classification: Uncertain significance. Last evaluated: 2025-07-29. Review status: criteria provided, single submitter. Criteria: LabCorp Variant Classification Summary - May 2015. Collection method: clinical testing. Allele origin: germline.
Comment: Variant summary: ASXL1 c.3958G>A (p.Ala1320Thr) results in a non-conservative amino acid change in the encoded protein sequence. Algorithms developed to predict the effect of missense changes on protein structure and function are either unavailable or do not agree on the potential impact of this missense change. The variant was absent in 251208 control chromosomes (gnomAD). The available data on variant occurrences in the general population are insufficient to allow any conclusion about variant significance. To our knowledge, no occurrence of c.3958G>A in individuals affected with Bohring-Opitz Syndrome and no experimental evidence demonstrating its impact on protein function have been reported. No submitters have cited clinical-significance assessments for this variant to ClinVar. Based on the evidence outlined above, the variant was classified as uncertain significance.

NM_015338.6(ASXL1):c.3958G>A (p.Ala1320Thr)

Gene: ASXL1 (ASXL transcriptional regulator 1; plus strand). Cytogenetic location: 20q11.21.
Variant type: single nucleotide variant.
Coding change: c.3958G>A on transcript NM_015338.6 (MANE Select); coding-DNA position 3958, G replaced by A.
Protein change: p.Ala1320Thr; replaces alanine 1320 with threonine.
Molecular consequence: missense variant.
Genome position (GRCh38, 1-based): chr20:32,436,670, G>A. VCF-style: chr20-32436670-G-A. GRCh37 (hg19) VCF-style: chr20-31024473-G-A.
Other names: c.3775G>A, p.Ala1259Thr (NM_001363734.1); short protein forms A1320T, A1259T.
Identifiers: ClinVar variation 4526108 (VCV004526108.1).